The following is an entry in ClinVar:

ClinVar aggregate classification (germline): Uncertain significance (1 of 4 stars; one submission).

Conditions:
ADIPOQ-related disorder. Also called: ADIPOQ-related condition.

gnomAD v4.1: 30 of 1,614,134 alleles (0.0019%); highest among the groups gnomAD compares: South Asian, 0.015%; no homozygotes.

Submission:

PreventionGenetics, part of Exact Sciences
Classification: Uncertain significance for ADIPOQ-related condition. Last evaluated: 2026-07-06. Review status: criteria provided, single submitter. Criteria: ACMG Guidelines, 2015. Collection method: clinical testing. Allele origin: germline.
Comment: The ADIPOQ c.392G>A variant is predicted to result in the amino acid substitution p.Arg131His. This variant has been reported in an individual with type 2 diabetes (Jungtrakoon et al. 2011. PubMed ID: 22046359). This variant is reported in 0.023% of alleles in individuals of South Asian descent in gnomAD. At this time, the clinical significance of this variant is uncertain due to the absence of conclusive functional and genetic evidence.

NM_004797.4(ADIPOQ):c.392G>A (p.Arg131His)

Genes: ADIPOQ (adiponectin, C1Q and collagen domain containing; plus strand), ADIPOQ-AS1 (ADIPOQ antisense RNA 1; minus strand). Cytogenetic location: 3q27.3.
Variant type: single nucleotide variant.
Coding change: c.392G>A on transcript NM_004797.4 (MANE Select); coding-DNA position 392, G replaced by A.
Protein change: p.Arg131His; replaces arginine 131 with histidine.
Molecular consequence: missense variant. On other transcripts: non-coding transcript variant (1).
Genome position (GRCh38, 1-based): chr3:186,854,361, G>A. VCF-style: chr3-186854361-G-A. GRCh37 (hg19) VCF-style: chr3-186572150-G-A.
Other names: c.392G>A, p.Arg131His (NM_001177800.2); short protein forms R131H.
Identifiers: ClinVar variation 4987660 (VCV004987660.1).
Genomic context (GRCh38, chr3:186,854,361, plus strand): 5'-ACCGCTCAGCATTCAGTGTGGGATTGGAGACTTACGTTACTATCCCCAACATGCCCATTC[G>A]CTTTACCAAGATCTTCTACAATCAGCAAAACCACTATGATGGCTCCACTGGTAAATTCCA-3'
Protein context (NP_004788.1, residues 121-141): TYVTIPNMPI[Arg131His]FTKIFYNQQN